The following is an entry in ClinVar:

ClinVar aggregate classification (germline): Conflicting classifications of pathogenicity. Review status: criteria provided, conflicting classifications (1 of 4 stars). 3 submissions from 3 submitters: Uncertain significance (2); Likely benign (1). Last evaluated 2026-01-16.

Conditions:
Pheochromocytoma. Also called: MAX-Related Hereditary Paraganglioma-Pheochromocytoma Syndrome. Identifiers: Orphanet 29072, MedGen C0031511, MONDO:0008233, OMIM 171300, HP:0002666.
Familial medullary thyroid carcinoma (MTC). Also called: Thyroid cancer, familial medullary; MTC, familial; Familial Medullary Thyroid Carcinoma (FMTC). Identifiers: Orphanet 653, Orphanet 99361, MedGen C1833921, MONDO:0007958, OMIM 155240.
Multiple endocrine neoplasia type 2B. Also called: Multiple endocrine neoplasia, type 3; MULTIPLE ENDOCRINE NEOPLASIA, TYPE IIB; MUCOSAL NEUROMA SYNDROME; MEN 2B; Multiple Endocrine Neoplasia Type 2B (MEN2B); MEN IIB. Identifiers: Orphanet 247709, Orphanet 653, MedGen C0025269, MeSH D018814, MONDO:0008082, OMIM 162300.
Multiple endocrine neoplasia type 2A. Also called: MULTIPLE ENDOCRINE NEOPLASIA, TYPE IIA; PTC SYNDROME; SIPPLE SYNDROME; MEN 2A; MEN-2A syndrome; Pheochromocytoma and amyloid producing medullary thyroid carcinoma. Identifiers: Orphanet 247698, Orphanet 653, MedGen C0025268, MeSH D018813, MONDO:0008234, OMIM 171400.
Hirschsprung disease, susceptibility to, 1 (HSCR1). Also called: RET-Related Hirschsprung Disease. Identifiers: Orphanet 388, MedGen C3888239, MONDO:0007723, OMIM 142623.
Hereditary cancer-predisposing syndrome. Also called: Neoplastic Syndromes, Hereditary; Hereditary Cancer Syndrome; Tumor predisposition; Hereditary neoplastic syndrome. Identifiers: Orphanet 140162, MedGen C0027672, MeSH D009386, MONDO:0015356.
Multiple endocrine neoplasia, type 2 (MEN2). Identifiers: Orphanet 653, MedGen C4048306, MONDO:0019003. Disease mechanism: gain of function.

Allele frequency attached by ClinVar (database versions not stated): gnomAD exomes below 0.00001.

Submissions (3):

Labcorp Genetics (formerly Invitae), Labcorp
Classification: Uncertain significance for Multiple endocrine neoplasia, type 2. Last evaluated: 2026-01-16. Review status: criteria provided, single submitter. Criteria: Invitae Variant Classification Sherloc (09022015). Collection method: clinical testing. Allele origin: germline.
Comment: This sequence change replaces alanine, which is neutral and non-polar, with valine, which is neutral and non-polar, at codon 1051 of the RET protein (p.Ala1051Val). This variant is not present in population databases (gnomAD no frequency). This variant has not been reported in the literature in individuals affected with RET-related conditions. ClinVar contains an entry for this variant (Variation ID: 568036). An algorithm developed to predict the effect of missense changes on protein structure and function (PolyPhen-2) suggests that this variant is likely to be tolerated. In summary, the available evidence is currently insufficient to determine the role of this variant in disease. Therefore, it has been classified as a Variant of Uncertain Significance.

Ambry Genetics
Classification: Likely benign for Hereditary cancer-predisposing syndrome. Last evaluated: 2024-05-01. Review status: criteria provided, single submitter. Criteria: Ambry Variant Classification Scheme 2023. Collection method: clinical testing. Allele origin: germline.

Fulgent Genetics
Classification: Uncertain significance for Hirschsprung disease, susceptibility to, 1; Familial medullary thyroid carcinoma; Multiple endocrine neoplasia type 2B; Pheochromocytoma; Multiple endocrine neoplasia type 2A. Last evaluated: 2024-02-21. Review status: criteria provided, single submitter. Criteria: ACMG Guidelines, 2015. Collection method: clinical testing. Allele origin: germline.

NM_020975.6(RET):c.3152C>T (p.Ala1051Val)

Gene: RET (ret proto-oncogene; plus strand). Cytogenetic location: 10q11.21.
Variant type: single nucleotide variant.
Coding change: c.3152C>T on transcript NM_020975.6 (MANE Select); coding-DNA position 3152, C replaced by T.
Protein change: p.Ala1051Val; replaces alanine 1051 with valine.
Molecular consequence: missense variant.
Genome position (GRCh38, 1-based): chr10:43,126,687, C>T. VCF-style: chr10-43126687-C-T. GRCh37 (hg19) VCF-style: chr10-43622135-C-T.
Other names: c.3152C>T, p.Ala1051Val (NM_000323.2, NM_001406743.1, NM_001406744.1 and 2 more transcripts); c.2390C>T, p.Ala797Val (NM_001355216.2); c.3023C>T, p.Ala1008Val (NM_001406761.1, NM_001406762.1, NM_001406764.1); c.3017C>T, p.Ala1006Val (NM_001406763.1, NM_001406765.1); c.2864C>T, p.Ala955Val (NM_001406766.1, NM_001406767.1, NM_001406770.1); c.2255C>T, p.Ala752Val (NM_001406779.1, NM_001406780.1, NM_001406781.1 and 1 more transcripts); c.2126C>T, p.Ala709Val (NM_001406783.1, NM_001406786.1); c.2162C>T, p.Ala721Val (NM_001406784.1); and 10 more; short protein forms A1051V, A797V, A616V, A709V, A712V, A752V, A955V, A963V.
Identifiers: ClinVar variation 568036 (VCV000568036.12), dbSNP rs1564501944, ClinGen allele CA376558496.